The following is an entry in ClinVar:

NM_000136.3(FANCC):c.1505A>G (p.His502Arg)

Genes: AOPEP (aminopeptidase O (putative); plus strand), FANCC (FA complementation group C; minus strand). Cytogenetic location: 9q22.32.
Variant type: single nucleotide variant.
Coding change: c.1505A>G on transcript NM_000136.3 (MANE Select); coding-DNA position 1505, A replaced by G.
Protein change: p.His502Arg; replaces histidine 502 with arginine.
Molecular consequence: missense variant.
Genome position (GRCh38, 1-based): chr9:95,107,094, T>C on the plus strand (A>G on the coding strand, the complement: FANCC is on the minus strand). VCF-style: chr9-95107094-T-C. GRCh37 (hg19) VCF-style: chr9-97869376-T-C.
Other names: c.1505A>G, p.His502Arg (NM_001243743.2); short protein forms H502R.
Identifiers: ClinVar variation 1774071 (VCV001774071.7), dbSNP rs1024371711, ClinGen allele CA196540026.

ClinVar aggregate classification (germline): Uncertain significance. Review status: criteria provided, multiple submitters, no conflicts (2 of 4 stars). 2 submissions from 2 submitters: Uncertain significance (2). Last evaluated 2023-04-07.

Conditions:
Hereditary cancer-predisposing syndrome. Also called: Hereditary Cancer Syndrome; Hereditary neoplastic syndrome; Neoplastic Syndromes, Hereditary; Tumor predisposition. Identifiers: Orphanet 140162, MedGen C0027672, MeSH D009386, MONDO:0015356.

Allele frequency attached by ClinVar (database versions not stated): gnomAD exomes below 0.00001; TOPMed 0.00001.
gnomAD v4.1: 1 of 1,614,200 alleles (0.000062%); highest among the groups gnomAD compares: Non-Finnish European, 0.000085%; no homozygotes.

Submissions (2):

Ambry Genetics
Classification: Uncertain significance for Hereditary cancer-predisposing syndrome. Last evaluated: 2023-04-07. Review status: criteria provided, single submitter. Criteria: Ambry Variant Classification Scheme 2023. Collection method: clinical testing. Allele origin: germline.
Comment: The p.H502R variant (also known as c.1505A>G), located in coding exon 13 of the FANCC gene, results from an A to G substitution at nucleotide position 1505. The histidine at codon 502 is replaced by arginine, an amino acid with highly similar properties. This alteration has been identified in an individual diagnosed with ovarian cancer (Song H et al. J Med Genet, 2021 May;58:305-313). This amino acid position is well conserved in available vertebrate species. In addition, this alteration is predicted to be tolerated by in silico analysis. Since supporting evidence is limited at this time, the clinical significance of this alteration remains unclear.

GeneDx
Classification: Uncertain significance. Last evaluated: 2023-02-01. Review status: criteria provided, single submitter. Criteria: GeneDx Variant Classification Process June 2021. Collection method: clinical testing. Allele origin: germline. Affected: yes.
Comment: Not observed at significant frequency in large population cohorts (gnomAD); In silico analysis supports that this missense variant has a deleterious effect on protein structure/function; Has not been previously published as pathogenic or benign to our knowledge; This variant is associated with the following publications: (PMID: Gordon2000[Book])

Literature cited by the submitters: PubMed 32546565 (cited by Ambry Genetics).